The following is an entry in ClinVar:

ClinVar aggregate classification (germline): Uncertain significance (1 of 4 stars; one submission).

gnomAD v4.1: 15 of 1,613,384 alleles (0.00093%); highest among the groups gnomAD compares: Non-Finnish European, 0.0013%; no homozygotes.

Submission:

GeneDx
Classification: Uncertain significance. Last evaluated: 2026-03-25. Review status: criteria provided, single submitter. Criteria: GeneDx Variant Classification Process June 2021. Collection method: clinical testing. Allele origin: germline.
Comment: Not observed at significant frequency in large population cohorts (gnomAD); In silico analysis suggests that this missense variant does not alter protein structure/function; Has not been previously published as pathogenic or benign to our knowledge

NM_016929.5(CLIC5):c.290C>A (p.Thr97Asn)

Gene: CLIC5 (CLIC family member 5; minus strand). Cytogenetic location: 6p21.1.
Variant type: single nucleotide variant.
Coding change: c.290C>A on transcript NM_016929.5 (MANE Select); coding-DNA position 290, C replaced by A.
Protein change: p.Thr97Asn; replaces threonine 97 with asparagine.
Molecular consequence: missense variant.
Genome position (GRCh38, 1-based): chr6:45,949,265, G>T on the plus strand (C>A on the coding strand, the complement: CLIC5 is on the minus strand). VCF-style: chr6-45949265-G-T. GRCh37 (hg19) VCF-style: chr6-45917002-G-T.
Other names: c.767C>A, p.Thr256Asn (NM_001114086.2, NM_001370650.1); c.290C>A, p.Thr97Asn (NM_001256023.2); c.173C>A, p.Thr58Asn (NM_001370649.1); short protein forms T256N, T58N, T97N.
Identifiers: ClinVar variation 5017115 (VCV005017115.1).